The following is an entry in ClinVar:

NM_018006.5(TRMU):c.6G>A (p.Gln2=)

Gene: TRMU (tRNA mitochondrial 2-thiouridylase; plus strand). Cytogenetic location: 22q13.31.
Variant type: single nucleotide variant.
Coding change: c.6G>A on transcript NM_018006.5 (MANE Select); coding-DNA position 6, G replaced by A.
Protein change: p.Gln2=; no amino-acid change (glutamine 2 retained).
Molecular consequence: synonymous variant. On other transcripts: 5 prime UTR variant (3), non-coding transcript variant (2).
Genome position (GRCh38, 1-based): chr22:46,335,770, G>A. VCF-style: chr22-46335770-G-A. GRCh37 (hg19) VCF-style: chr22-46731667-G-A.
Other names: c.-230G>A (NM_001282782.2); c.-249G>A (NM_001282783.2, NM_001282784.2); c.6G>A, p.Gln2= (NM_001282785.2); c.6G>A (NM_018006.4).
Identifiers: ClinVar variation 1083033 (VCV001083033.12), dbSNP rs758055404, ClinGen allele CA10291899.

ClinVar aggregate classification (germline): Likely benign. Review status: criteria provided, single submitter (1 of 4 stars). 2 submissions from 2 submitters: Likely benign (1). 1 of the submissions does not count toward it. Last evaluated 2022-07-29.

Conditions:
TRMU-related disorder. Also called: TRMU-related condition.

Allele frequency attached by ClinVar (database versions not stated): ExAC 0.00007.
gnomAD v4.1: 15 of 1,551,782 alleles (0.00097%); highest among the groups gnomAD compares: South Asian, 0.012%; no homozygotes.

Submissions (2):

Labcorp Genetics (formerly Invitae), Labcorp
Classification: Likely benign. Last evaluated: 2022-07-29. Review status: criteria provided, single submitter. Criteria: Invitae Variant Classification Sherloc (09022015). Collection method: clinical testing. Allele origin: germline.

PreventionGenetics, part of Exact Sciences
Classification: Likely benign for TRMU-related condition. Last evaluated: 2022-02-01. Review status: no assertion criteria provided. Collection method: clinical testing. Allele origin: germline. Not counted in ClinVar's aggregate classification.
Comment: This variant is classified as likely benign based on ACMG/AMP sequence variant interpretation guidelines (Richards et al. 2015 PMID: 25741868, with internal and published modifications).